The following is an entry in ClinVar:

NM_172058.2(EYA1):c.(?_-66)_(*76_?)del

Genes: EYA1 (EYA transcriptional coactivator and phosphatase 1; minus strand), LOC130000578 (ATAC-STARR-seq lymphoblastoid active region 27512; plus strand), LOC130000579 (ATAC-STARR-seq lymphoblastoid active region 27513; plus strand), LOC130000580 (ATAC-STARR-seq lymphoblastoid active region 27514; plus strand), LOC130000581 (ATAC-STARR-seq lymphoblastoid active region 27515; plus strand) and 1 more. Cytogenetic location: 8q13.3.
Variant type: Deletion.
Coding change: c.(?_-66)_(*76_?)del on transcript NM_172058.2; a large deletion whose breakpoints are not mapped to the base.
Other names: c.(?_-66)_(*76_?)del (NM_172058.2).
Identifiers: ClinVar variation 163426 (VCV000163426.4).

ClinVar aggregate classification (germline): Pathogenic (1 of 4 stars; one submission).

Conditions:
Rare genetic deafness. Identifiers: Orphanet 96210, MedGen C5680250.

Submission:

Laboratory for Molecular Medicine, Mass General Brigham Personalized Medicine
Classification: Pathogenic for Rare genetic deafness. Last evaluated: 2012-08-02. Review status: criteria provided, single submitter. Criteria: LMM Criteria. Collection method: clinical testing. Allele origin: germline. Inheritance: Autosomal dominant inheritance. Observed: 2 variant alleles.
Comment: The EYA1 full gene deletion (exons 1-17) has been reported in >10 individuals wi th clinical features of branchio-oto-renal syndrome (BOR), including at least 5 de novo occurrences (Haan 1989, Vincent 1994, Rickard 2001, Sanchez-Valle 2010, Chen 2014). This deletion is expected to cause a loss of function of the EYA1 pr otein, consistent with the established mechanism of pathogenicity for this disea se. In many of the reported individuals the deletion encompasses additional gene s, in some cases leading to other clinical features in addition to the features of BOR. These additional features are likely due to the involvement of the other genes in the deleted regions. It should be noted that the exact breakpoints of this copy number variant cannot be detected by this assay; therefore, the extent of the deletion in this individual is unknown. In summary, the EYA1 full gene d eletion meets criteria to be classified as pathogenic for autosomal dominant BOR .

Literature cited by the submitters: PubMed 2773990; PubMed 7849713; PubMed 11409867; PubMed 20979191; PubMed 25135225.